The following is an entry in ClinVar:

NM_001972.4(ELANE):c.742C>A (p.Arg248Ser)

Gene: ELANE (elastase, neutrophil expressed; plus strand). Cytogenetic location: 19p13.3.
Variant type: single nucleotide variant.
Coding change: c.742C>A on transcript NM_001972.4 (MANE Select); coding-DNA position 742, C replaced by A.
Protein change: p.Arg248Ser; replaces arginine 248 with serine.
Molecular consequence: missense variant.
Genome position (GRCh38, 1-based): chr19:856,102, C>A. VCF-style: chr19-856102-C-A. GRCh37 (hg19) VCF-style: chr19-856102-C-A.
Other names: short protein forms R248S.
Identifiers: ClinVar variation 4842458 (VCV004842458.1).

ClinVar aggregate classification (germline): Uncertain significance (1 of 4 stars; one submission).

Conditions:
Inborn genetic diseases. Identifiers: MedGen C0950123, MeSH D030342.

Submission:

Ambry Genetics
Classification: Uncertain significance for Inborn genetic diseases. Last evaluated: 2026-01-14. Review status: criteria provided, single submitter. Criteria: Ambry Variant Classification Scheme 2023. Collection method: clinical testing. Allele origin: germline.
Comment: The p.R248S variant (also known as c.742C>A), located in coding exon 5 of the ELANE gene, results from a C to A substitution at nucleotide position 742. The arginine at codon 248 is replaced by serine, an amino acid with dissimilar properties. This amino acid position is conserved. In addition, this alteration is predicted to be tolerated by in silico analysis. Based on the available evidence, the clinical significance of this variant remains unclear.